The following is an entry in ClinVar:

NM_001130987.2(DYSF):c.1149+4A>G

Gene: DYSF (dysferlin; plus strand). Cytogenetic location: 2p13.2.
Variant type: single nucleotide variant.
Coding change: c.1149+4A>G on transcript NM_001130987.2 (MANE Select); 4 bases into the intron after coding-DNA position 1149, A replaced by G.
Molecular consequence: intron variant.
Genome position (GRCh38, 1-based): chr2:71,520,908, A>G. VCF-style: chr2-71520908-A-G. GRCh37 (hg19) VCF-style: chr2-71748038-A-G.
Other names: c.1146+4A>G (NM_001130979.2, NM_001130981.2, NM_001130980.2); c.1053+4A>G (NM_001130978.2, NM_003494.4, NM_001130977.2 and 1 more transcripts); c.1149+4A>G (NM_001130982.2, NM_001130985.2); c.1056+4A>G (NM_001130983.2, NM_001130455.2, NM_001130984.2 and 1 more transcripts).
Identifiers: ClinVar variation 288116 (VCV000288116.12), dbSNP rs761302882, ClinGen allele CA1705618.

ClinVar aggregate classification (germline): Pathogenic. Review status: reviewed by expert panel (3 of 4 stars). 4 submissions from 4 submitters: Pathogenic (1). 3 of the submissions do not count toward it. Last evaluated 2025-08-26.

Conditions:
Autosomal recessive limb-girdle muscular dystrophy. Identifiers: Orphanet 102015, MedGen C2931907, MONDO:0015152.
Neuromuscular disease caused by qualitative or quantitative defects of dysferlin. Also called: Dysferlinopathy; Qualitative or quantitative defects of dysferlin. Identifiers: Orphanet 207073, MedGen C2931687, MONDO:0016145.
Autosomal recessive limb-girdle muscular dystrophy type 2B (LGMDR2). Also called: MUSCULAR DYSTROPHY, LIMB-GIRDLE, TYPE 3; Limb-Girdle Muscular Dystrophy Type 2B (LGMD2B); Limb-girdle muscular dystrophy, type 2B; MUSCULAR DYSTROPHY, LIMB-GIRDLE, AUTOSOMAL RECESSIVE 2. Identifiers: Orphanet 268, MedGen C1850889, MONDO:0009676, OMIM 253601.

Allele frequency attached by ClinVar (database versions not stated): gnomAD exomes 0.00001 and 0.00002; ExAC 0.00002.
gnomAD v4.1: 5 of 1,613,972 alleles (0.00031%); highest among the groups gnomAD compares: South Asian, 0.0055%; no homozygotes.

Submissions (4):

ClinGen Limb Girdle Muscular Dystrophy Variant Curation Expert Panel, ClinGen
Classification: Pathogenic for Autosomal recessive limb-girdle muscular dystrophy. Last evaluated: 2025-08-26. Review status: reviewed by expert panel. Criteria: ClinGen LGMD VCEP ACMG Specifications DYSF V2.0.0. Collection method: curation. Allele origin: germline. Inheritance: Autosomal recessive inheritance.
Comment: The NM_003494.4: c.1053+4A>G variant in DYSF, which is also known as NM_001130987.2: c.1149+4A>G, occurs within the splice donor motif of intron 11. SpliceAI gives a delta score of 0.66 for loss of the donor site (alt score 0.00), which is greater than the threshold of 0.50 (PP3). Skipping of exon 11 is predicted. This variant has been reported in a homozygous state in at least four unrelated patients with clinical features consistent with LGMD, with known consanguinity in one case (1.0 pt; PMID: 30564623, 37564451; LOVD Individuals #00219592, #00219464; ClinVar SCV006074893.1 internal data communication; Jain Foundation Dysferlin Registry internal data communication). It was also reported in unknown phase with a pathogenic variant in a fifth patient (NM_003494.4: c.755C>T p.(Thr252Met), 0.5 pts, Jain Foundation Dysferlin Registry internal data communication) (PM3). At least one patient homozygous for this variant displayed progressive limb girdle muscle weakness and absent dysferlin protein expression in skeletal muscle or blood monocytes (ClinVar SCV002168581.4 internal data communication, Jain Foundation Dysferlin Registry internal data communication; PP4_Strong). This variant also co-segregated with autosomal recessive LGMD in one homozygous affected family member (ClinVar SCV002168581.4 internal data communication; PP1). The filtering allele frequency of this variant is 0.0001154 in gnomAD v4.1.0 (the upper bound of the 95% CI of 5/86252 South Asian chromosomes), which is greater than the ClinGen LGMD VCEP threshold (≤0.0001) (PM2_Supporting not met). At least one other variant affecting the same splice region, NM_003494.4: c.1053+5G>A, is predicted to have the same splice effect as the c.1053+4A>G variant (skipping of exon 11) and is classified as pathogenic for autosomal recessive limb girdle muscular dystrophy by the ClinGen LGMD VCEP (PS1_Moderate). A mini-gene assay also confirmed skipping of exon 11 due to the presence of the c.1053+5G>A variant (PMID: 25312915). In summary, this variant meets the criteria to be classified as Pathogenic for autosomal recessive limb girdle muscular dystrophy based on the ACMG/AMP criteria applied, as specified by the ClinGen LGMD VCEP (LGMD VCEP specifications version 2.0.0; 08/26/2025): PP3, PM3, PP4_Strong, PP1, PS1_Moderate.

Labcorp Genetics (formerly Invitae), Labcorp
Classification: Uncertain significance for Neuromuscular disease caused by qualitative or quantitative defects of dysferlin. Last evaluated: 2025-12-03. Review status: criteria provided, single submitter. Criteria: Invitae Variant Classification Sherloc (09022015). Collection method: clinical testing. Allele origin: germline. Not counted in ClinVar's aggregate classification.
Comment: This sequence change falls in intron 11 of the DYSF gene. It does not directly change the encoded amino acid sequence of the DYSF protein. It affects a nucleotide within the consensus splice site. This variant is present in population databases (rs761302882, gnomAD 0.01%). This variant has been observed in individual(s) with clinical features of DYSF-related conditions (PMID: 25312915, 30564623, 37564451; internal data). ClinVar contains an entry for this variant (Variation ID: 288116). Variants that disrupt the consensus splice site are a relatively common cause of aberrant splicing (PMID: 17576681, 9536098). Algorithms developed to predict the effect of sequence changes on RNA splicing suggest that this variant may disrupt the consensus splice site. In summary, the available evidence is currently insufficient to determine the role of this variant in disease. Therefore, it has been classified as a Variant of Uncertain Significance.

Kariminejad - Najmabadi Pathology & Genetics Center
Classification: Uncertain significance for Autosomal recessive limb-girdle muscular dystrophy type 2B. Last evaluated: 2024-04-13. Review status: criteria provided, single submitter. Criteria: ACMG Guidelines, 2015. Collection method: clinical testing. Allele origin: germline. Inheritance: Autosomal recessive inheritance. Affected: yes. Not counted in ClinVar's aggregate classification.
Comment: PM2, PP3-moderate, PM3-supporting, PS3-supporting

Eurofins Ntd Llc (ga)
Classification: Uncertain significance. Last evaluated: 2016-05-17. Review status: criteria provided, single submitter. Criteria: EGL Classification Definitions 2015. Collection method: clinical testing. Allele origin: germline. Observed: 1 variant allele, 1 homozygote. Not counted in ClinVar's aggregate classification.

Literature cited by the submitters: PubMed 25312915 (cited by Labcorp Genetics (formerly Invitae), Labcorp and Eurofins Ntd Llc (ga)); PubMed 30564623 (cited by Labcorp Genetics (formerly Invitae), Labcorp); PubMed 37564451 (cited by Labcorp Genetics (formerly Invitae), Labcorp); PubMed 17576681 (cited by Labcorp Genetics (formerly Invitae), Labcorp); PubMed 9536098 (cited by Labcorp Genetics (formerly Invitae), Labcorp).